The following is an entry in ClinVar:

ClinVar aggregate classification (germline): Uncertain significance (1 of 4 stars; one submission).

Conditions:
Autosomal dominant nocturnal frontal lobe epilepsy 5. Also called: CILIARY DYSKINESIA, PRIMARY, 28, WITH SITUS INVERSUS; Epilepsy, nocturnal frontal lobe, 5; CILIARY DYSKINESIA, PRIMARY, 28, WITHOUT SITUS INVERSUS; KCNT1-Related Epilepsy. Identifiers: Orphanet 98784, MedGen C3554306, MONDO:0014002, OMIM 615005.
Developmental and epileptic encephalopathy, 14 (DEE14). Also called: Early infantile epileptic encephalopathy 14. Identifiers: Orphanet 293181, MedGen C3554195, MONDO:0013989, OMIM 614959.

Submission:

Labcorp Genetics (formerly Invitae), Labcorp
Classification: Uncertain significance for Autosomal dominant nocturnal frontal lobe epilepsy 5; Developmental and epileptic encephalopathy, 14. Last evaluated: 2025-11-05. Review status: criteria provided, single submitter. Criteria: Invitae Variant Classification Sherloc (09022015). Collection method: clinical testing. Allele origin: germline.
Comment: This sequence change replaces alanine, which is neutral and non-polar, with threonine, which is neutral and polar, at codon 7 of the KCNT1 protein (p.Ala7Thr). This variant is not present in population databases (gnomAD no frequency). This variant has not been reported in the literature in individuals affected with KCNT1-related conditions. Invitae Evidence Modeling of protein sequence and biophysical properties (such as structural, functional, and spatial information, amino acid conservation, physicochemical variation, residue mobility, and thermodynamic stability) indicates that this missense variant is not expected to disrupt KCNT1 protein function with a negative predictive value of 95%. In summary, the available evidence is currently insufficient to determine the role of this variant in disease. Therefore, it has been classified as a Variant of Uncertain Significance.

NM_020822.3(KCNT1):c.19G>A (p.Ala7Thr)

Gene: KCNT1 (potassium sodium-activated channel subfamily T member 1; plus strand). Cytogenetic location: 9q34.3.
Variant type: single nucleotide variant.
Coding change: c.19G>A on transcript NM_020822.3 (MANE Select); coding-DNA position 19, G replaced by A.
Protein change: p.Ala7Thr; replaces alanine 7 with threonine.
Molecular consequence: missense variant.
Genome position (GRCh38, 1-based): chr9:135,702,277, G>A. VCF-style: chr9-135702277-G-A. GRCh37 (hg19) VCF-style: chr9-138594123-G-A.
Other names: c.19G>A, p.Ala7Thr (NM_001272003.2); short protein forms A7T.
Identifiers: ClinVar variation 4792671 (VCV004792671.1).